The following is an entry in ClinVar:

ClinVar aggregate classification (germline): Uncertain significance (1 of 4 stars; one submission).

Conditions:
Autosomal recessive ataxia, Beauce type. Also called: SYNE1-Related Autosomal Recessive Cerebellar Ataxia; SYNE1 Deficiency; Spinocerebellar ataxia, autosomal recessive 8; ATAXIA, RECESSIVE, OF BEAUCE. Identifiers: Orphanet 88644, MedGen C1853116, MONDO:0012549, OMIM 610743.
Emery-Dreifuss muscular dystrophy 4, autosomal dominant (EDMD4). Also called: EMERY-DREIFUSS MUSCULAR DYSTROPHY 4 WITH VARIABLE FEATURES. Identifiers: Orphanet 261, MedGen C2751807, MONDO:0013071, OMIM 612998.

Allele frequency attached by ClinVar (database versions not stated): gnomAD exomes below 0.00001; gnomAD 0.00001; TOPMed 0.00001.
gnomAD v4.1: 2 of 1,613,954 alleles (0.00012%); highest among the groups gnomAD compares: African/African-American, 0.0013%; no homozygotes.

Submission:

Labcorp Genetics (formerly Invitae), Labcorp
Classification: Uncertain significance for Emery-Dreifuss muscular dystrophy 4, autosomal dominant; Autosomal recessive ataxia, Beauce type. Last evaluated: 2021-08-06. Review status: criteria provided, single submitter. Criteria: Invitae Variant Classification Sherloc (09022015). Collection method: clinical testing. Allele origin: germline.
Comment: This sequence change replaces glutamine with glutamic acid at codon 7931 of the SYNE1 protein (p.Gln7931Glu). The glutamine residue is highly conserved and there is a small physicochemical difference between glutamine and glutamic acid. This variant is not present in population databases (ExAC no frequency). This variant has not been reported in the literature in individuals affected with SYNE1-related conditions. Algorithms developed to predict the effect of missense changes on protein structure and function are either unavailable or do not agree on the potential impact of this missense change (SIFT: "Deleterious"; PolyPhen-2: "Probably Damaging"; Align-GVGD: "Class C0"). In summary, the available evidence is currently insufficient to determine the role of this variant in disease. Therefore, it has been classified as a Variant of Uncertain Significance.

NM_182961.4(SYNE1):c.24004C>G (p.Gln8002Glu)

Gene: SYNE1 (spectrin repeat containing nuclear envelope protein 1; minus strand). Cytogenetic location: 6q25.2.
Variant type: single nucleotide variant.
Coding change: c.24004C>G on transcript NM_182961.4 (MANE Select); coding-DNA position 24004, C replaced by G.
Protein change: p.Gln8002Glu; replaces glutamine 8002 with glutamic acid.
Molecular consequence: missense variant.
Genome position (GRCh38, 1-based): chr6:152,155,017, G>C on the plus strand (C>G on the coding strand, the complement: SYNE1 is on the minus strand). VCF-style: chr6-152155017-G-C. GRCh37 (hg19) VCF-style: chr6-152476152-G-C.
Other names: c.610C>G, p.Gln204Glu (NM_001347701.2); c.469C>G, p.Gln157Glu (NM_001347702.2); c.23791C>G, p.Gln7931Glu (NM_033071.5); short protein forms Q204E, Q7931E, Q8002E, Q157E.
Identifiers: ClinVar variation 1345815 (VCV001345815.6), dbSNP rs1361081346, ClinGen allele CA366087925.